The following is an entry in ClinVar:

ClinVar aggregate classification (germline): Uncertain significance. Review status: criteria provided, multiple submitters, no conflicts (2 of 4 stars). 2 submissions from 2 submitters: Uncertain significance (2). Last evaluated 2025-08-29.

Conditions:
Hereditary cancer-predisposing syndrome. Also called: Neoplastic Syndromes, Hereditary; Tumor predisposition; Hereditary Cancer Syndrome; Hereditary neoplastic syndrome. Identifiers: Orphanet 140162, MedGen C0027672, MeSH D009386, MONDO:0015356.
Oligodontia-cancer predisposition syndrome. Also called: TOOTH AGENESIS-COLORECTAL CANCER SYNDROME. Identifiers: Orphanet 300576, MedGen C1837750, MONDO:0012075, OMIM 608615. Disease mechanism: loss of function.

Allele frequency attached by ClinVar (database versions not stated): TOPMed below 0.00001.
gnomAD v4.1: 5 of 1,613,608 alleles (0.00031%); highest among the groups gnomAD compares: South Asian, 0.0022%; no homozygotes.

Submissions (2):

Labcorp Genetics (formerly Invitae), Labcorp
Classification: Uncertain significance for Oligodontia-cancer predisposition syndrome. Last evaluated: 2025-08-29. Review status: criteria provided, single submitter. Criteria: Invitae Variant Classification Sherloc (09022015). Collection method: clinical testing. Allele origin: germline.
Comment: This sequence change replaces serine, which is neutral and polar, with leucine, which is neutral and non-polar, at codon 616 of the AXIN2 protein (p.Ser616Leu). This variant is not present in population databases (gnomAD no frequency). This variant has not been reported in the literature in individuals affected with AXIN2-related conditions. ClinVar contains an entry for this variant (Variation ID: 464575). Invitae Evidence Modeling of protein sequence and biophysical properties (such as structural, functional, and spatial information, amino acid conservation, physicochemical variation, residue mobility, and thermodynamic stability) has been performed for this missense variant. However, the output from this modeling did not meet the statistical confidence thresholds required to predict the impact of this variant on AXIN2 protein function. In summary, the available evidence is currently insufficient to determine the role of this variant in disease. Therefore, it has been classified as a Variant of Uncertain Significance.

Ambry Genetics
Classification: Uncertain significance for Hereditary cancer-predisposing syndrome. Last evaluated: 2021-09-20. Review status: criteria provided, single submitter. Criteria: Ambry Variant Classification Scheme 2023. Collection method: clinical testing. Allele origin: germline.
Comment: The p.S616L variant (also known as c.1847C>T), located in coding exon 6 of the AXIN2 gene, results from a C to T substitution at nucleotide position 1847. The serine at codon 616 is replaced by leucine, an amino acid with dissimilar properties. This amino acid position is conserved. In addition, this alteration is predicted to be tolerated by in silico analysis. Since supporting evidence is limited at this time, the clinical significance of this alteration remains unclear.

NM_004655.4(AXIN2):c.1847C>T (p.Ser616Leu)

Gene: AXIN2 (axin 2; minus strand). Cytogenetic location: 17q24.1.
Variant type: single nucleotide variant.
Coding change: c.1847C>T on transcript NM_004655.4 (MANE Select); coding-DNA position 1847, C replaced by T.
Protein change: p.Ser616Leu; replaces serine 616 with leucine.
Molecular consequence: missense variant. On other transcripts: intron variant (1).
Genome position (GRCh38, 1-based): chr17:65,536,929, G>A on the plus strand (C>T on the coding strand, the complement: AXIN2 is on the minus strand). VCF-style: chr17-65536929-G-A. GRCh37 (hg19) VCF-style: chr17-63533047-G-A.
Other names: c.1713-376C>T (NM_001363813.1); c.1847C>T (LRG_296t1); short protein forms S616L.
Identifiers: ClinVar variation 464575 (VCV000464575.11), dbSNP rs1555577386, ClinGen allele CA400676504.